The following is an entry in ClinVar:

ClinVar aggregate classification (germline): Pathogenic (1 of 4 stars; one submission).

Submission:

Labcorp Genetics (formerly Invitae), Labcorp
Classification: Pathogenic. Last evaluated: 2022-08-09. Review status: criteria provided, single submitter. Criteria: Invitae Variant Classification Sherloc (09022015). Collection method: clinical testing. Allele origin: germline.
Comment: For these reasons, this variant has been classified as Pathogenic. This variant has not been reported in the literature in individuals affected with KIF11-related conditions. This variant is not present in population databases (gnomAD no frequency). This sequence change creates a premature translational stop signal (p.Asn651Ilefs*4) in the KIF11 gene. It is expected to result in an absent or disrupted protein product. Loss-of-function variants in KIF11 are known to be pathogenic (PMID: 22284827, 24281367).

Literature cited by the submitters: PubMed 22284827; PubMed 24281367.

NM_004523.4(KIF11):c.1950del (p.Asn651fs)

Gene: KIF11 (kinesin family member 11; plus strand). Cytogenetic location: 10q23.33.
Variant type: Deletion.
Coding change: c.1950del on transcript NM_004523.4 (MANE Select); coding-DNA position 1950, one base deleted (C; older notation c.1950delC).
Protein change: p.Asn651fs; shifts the reading frame from asparagine 651.
Molecular consequence: frameshift variant.
Genome position (GRCh38, 1-based): chr10:92,637,258, C deleted. VCF-style (leftmost placement, unchanged base first): chr10-92637257-TC-T. GRCh37 (hg19) VCF-style: chr10-94397014-TC-T.
Other names: short protein forms N651fs.
Identifiers: ClinVar variation 2076897 (VCV002076897.4), dbSNP rs2492525112, ClinGen allele CA2580082324.